The following is an entry in ClinVar:

NM_001605.3(AARS1):c.2368G>T (p.Asp790Tyr)

Gene: AARS1 (alanyl-tRNA synthetase 1; minus strand). Cytogenetic location: 16q22.1.
Variant type: single nucleotide variant.
Coding change: c.2368G>T on transcript NM_001605.3 (MANE Select); coding-DNA position 2368, G replaced by T.
Protein change: p.Asp790Tyr; replaces aspartic acid 790 with tyrosine.
Molecular consequence: missense variant.
Genome position (GRCh38, 1-based): chr16:70,254,653, C>A on the plus strand (G>T on the coding strand, the complement: AARS1 is on the minus strand). VCF-style: chr16-70254653-C-A. GRCh37 (hg19) VCF-style: chr16-70288556-C-A.
Other names: short protein forms D790Y.
Identifiers: ClinVar variation 3689512 (VCV003689512.2).

ClinVar aggregate classification (germline): Uncertain significance (1 of 4 stars; one submission).

Conditions:
Charcot-Marie-Tooth disease type 2. Also called: Charcot-Marie-Tooth type 2. Identifiers: Orphanet 64746, MedGen C0270914, MONDO:0018993.

gnomAD v4.1: 1 of 1,614,112 alleles (0.000062%); highest among the groups gnomAD compares: African/African-American, 0.0013%; no homozygotes.

Submission:

Labcorp Genetics (formerly Invitae), Labcorp
Classification: Uncertain significance for Charcot-Marie-Tooth disease type 2. Last evaluated: 2024-09-29. Review status: criteria provided, single submitter. Criteria: Invitae Variant Classification Sherloc (09022015). Collection method: clinical testing. Allele origin: germline.
Comment: This sequence change replaces aspartic acid, which is acidic and polar, with tyrosine, which is neutral and polar, at codon 790 of the AARS protein (p.Asp790Tyr). This variant is not present in population databases (gnomAD no frequency). This variant has not been reported in the literature in individuals affected with AARS-related conditions. Invitae Evidence Modeling of protein sequence and biophysical properties (such as structural, functional, and spatial information, amino acid conservation, physicochemical variation, residue mobility, and thermodynamic stability) indicates that this missense variant is not expected to disrupt AARS protein function with a negative predictive value of 95%. Algorithms developed to predict the effect of sequence changes on RNA splicing suggest that this variant may create or strengthen a splice site. In summary, the available evidence is currently insufficient to determine the role of this variant in disease. Therefore, it has been classified as a Variant of Uncertain Significance.